The following is an entry in ClinVar:

NM_001171613.2(PREPL):c.425A>G (p.Tyr142Cys)

Gene: PREPL (prolyl endopeptidase like; minus strand). Cytogenetic location: 2p21.
Variant type: single nucleotide variant.
Coding change: c.425A>G on transcript NM_001171613.2 (MANE Select); coding-DNA position 425, A replaced by G.
Protein change: p.Tyr142Cys; replaces tyrosine 142 with cysteine.
Molecular consequence: missense variant.
Genome position (GRCh38, 1-based): chr2:44,342,477, T>C on the plus strand (A>G on the coding strand, the complement: PREPL is on the minus strand). VCF-style: chr2-44342477-T-C. GRCh37 (hg19) VCF-style: chr2-44569616-T-C.
Other names: c.692A>G, p.Tyr231Cys (NM_006036.4, NM_001042385.2, NM_001042386.2 and 4 more transcripts); c.425A>G, p.Tyr142Cys (NM_001171617.1, NM_001374277.1); short protein forms Y142C, Y231C.
Identifiers: ClinVar variation 658585 (VCV000658585.10), dbSNP rs778744293, ClinGen allele CA1641479.
Genomic context (GRCh38, chr2:44,342,477, plus strand): 5'-CTTGGGTCTTTTTCTGTGTAAAAGCGTTCATTACGTTTGTTATCACCAAAAGTGGCTCGA[T>C]ATACGTCATGACAGCGAAGGTTCCTCTGGAAGGTGTAGAATAAAACATCTTCATCTTCCT-3'
Protein context (NP_001165084.1, residues 132-152): FQRNLRCHDV[Tyr142Cys]RATFGDNKRN

ClinVar aggregate classification (germline): Uncertain significance. Review status: criteria provided, multiple submitters, no conflicts (2 of 4 stars). 2 submissions from 2 submitters: Uncertain significance (2). Last evaluated 2025-07-14.

Conditions:
Myasthenic syndrome, congenital, 22 (CMS22). Also called: PREPL DEFICIENCY. Identifiers: MedGen C4479088, MONDO:0044299, OMIM 616224.
Inborn genetic diseases. Identifiers: MedGen C0950123, MeSH D030342.

Allele frequency attached by ClinVar (database versions not stated): ExAC 0.00001; gnomAD 0.00001; gnomAD exomes 0.00001; TOPMed 0.00003.
gnomAD v4.1: 22 of 1,613,212 alleles (0.0014%); highest among the groups gnomAD compares: Non-Finnish European, 0.0018%; no homozygotes.

Submissions (2):

Ambry Genetics
Classification: Uncertain significance for Inborn genetic diseases. Last evaluated: 2025-07-14. Review status: criteria provided, single submitter. Criteria: Ambry Variant Classification Scheme 2023. Collection method: clinical testing. Allele origin: germline.

Labcorp Genetics (formerly Invitae), Labcorp
Classification: Uncertain significance for Myasthenic syndrome, congenital, 22. Last evaluated: 2022-01-11. Review status: criteria provided, single submitter. Criteria: Invitae Variant Classification Sherloc (09022015). Collection method: clinical testing. Allele origin: germline.
Comment: In summary, the available evidence is currently insufficient to determine the role of this variant in disease. Therefore, it has been classified as a Variant of Uncertain Significance. Algorithms developed to predict the effect of missense changes on protein structure and function (SIFT, PolyPhen-2, Align-GVGD) all suggest that this variant is likely to be disruptive. ClinVar contains an entry for this variant (Variation ID: 658585). This variant has not been reported in the literature in individuals affected with PREPL-related conditions. This variant is present in population databases (rs778744293, gnomAD 0.003%). This sequence change replaces tyrosine, which is neutral and polar, with cysteine, which is neutral and slightly polar, at codon 231 of the PREPL protein (p.Tyr231Cys).